The following is an entry in ClinVar:

NM_001042492.3(NF1):c.7812C>T (p.Leu2604=)

Gene: NF1 (neurofibromin 1; plus strand). Cytogenetic location: 17q11.2.
Variant type: single nucleotide variant.
Coding change: c.7812C>T on transcript NM_001042492.3 (MANE Select); coding-DNA position 7812, C replaced by T.
Protein change: p.Leu2604=; no amino-acid change (leucine 2604 retained).
Molecular consequence: synonymous variant.
Genome position (GRCh38, 1-based): chr17:31,357,033, C>T. VCF-style: chr17-31357033-C-T. GRCh37 (hg19) VCF-style: chr17-29684051-C-T.
Other names: c.7749C>T, p.Leu2583= (NM_000267.4).
Identifiers: ClinVar variation 757041 (VCV000757041.13), dbSNP rs1555536702, ClinGen allele CA499239450.

ClinVar aggregate classification (germline): Benign/Likely benign. Review status: criteria provided, multiple submitters, no conflicts (2 of 4 stars). 3 submissions from 3 submitters: Benign (1); Likely benign (2). Last evaluated 2026-05-22.

Conditions:
Neurofibromatosis, type 1 (NF1). Also called: NEUROFIBROMATOSIS, TYPE I, SOMATIC; Peripheral type neurofibromatosis; VON RECKLINGHAUSEN DISEASE; Neurofibromatosis, type I. Identifiers: Orphanet 636, MedGen C0027831, MONDO:0018975, OMIM 162200. Disease mechanism: loss of function.
Cardiovascular phenotype. Identifiers: MedGen CN230736.
Hereditary cancer-predisposing syndrome. Also called: Tumor predisposition; Hereditary Cancer Syndrome; Hereditary neoplastic syndrome; Neoplastic Syndromes, Hereditary. Identifiers: Orphanet 140162, MedGen C0027672, MeSH D009386, MONDO:0015356.

Submissions (3):

Myriad Genetics, Inc.
Classification: Benign for Neurofibromatosis, type 1. Last evaluated: 2026-05-22. Review status: criteria provided, single submitter. Criteria: Myriad Autosomal Dominant, Autosomal Recessive and X-Linked Classification Criteria (2023). Collection method: clinical testing. Allele origin: unknown.
Comment: This variant is considered benign. This variant is a silent/synonymous amino acid change and it is not expected to impact splicing.

Labcorp Genetics (formerly Invitae), Labcorp
Classification: Likely benign for Neurofibromatosis, type 1. Last evaluated: 2024-02-19. Review status: criteria provided, single submitter. Criteria: Invitae Variant Classification Sherloc (09022015). Collection method: clinical testing. Allele origin: germline.

Ambry Genetics
Classification: Likely benign for Cardiovascular phenotype; Hereditary cancer-predisposing syndrome. Last evaluated: 2022-06-07. Review status: criteria provided, single submitter. Criteria: Ambry Variant Classification Scheme 2023. Collection method: clinical testing. Allele origin: germline.